The following is an entry in ClinVar:

ClinVar aggregate classification (germline): Likely benign. Review status: criteria provided, multiple submitters, no conflicts (2 of 4 stars). 4 submissions from 4 submitters: Likely benign (4). Last evaluated 2024-02-22.

Conditions:
Aortic aneurysm, familial thoracic 4 (AAT4). Also called: AORTIC ANEURYSM/AORTIC DISSECTION AND PATENT DUCTUS ARTERIOSUS. Identifiers: MedGen C1851504, MONDO:0007568, OMIM 132900.
Familial thoracic aortic aneurysm and aortic dissection (TAAD). Also called: Thoracic aortic aneurysms and dissections. Identifiers: Orphanet 91387, MedGen C4707243, MONDO:0019625.

Allele frequency attached by ClinVar (database versions not stated): TOPMed below 0.00001; gnomAD 0.00001; gnomAD exomes 0.00002 and 0.00009; ExAC 0.00016.
gnomAD v4.1: 44 of 1,613,900 alleles (0.0027%); highest among the groups gnomAD compares: Non-Finnish European, 0.0024%; no homozygotes.

Submissions (4):

All of Us Research Program, National Institutes of Health
Classification: Likely benign for Familial thoracic aortic aneurysm and aortic dissection. Last evaluated: 2024-02-22. Review status: criteria provided, single submitter. Criteria: ACMG Guidelines, 2015. Collection method: clinical testing. Allele origin: germline. Inheritance: Autosomal dominant inheritance. Observed: 1 variant allele, 1 heterozygote.
Comment: This study involves interpretation of variants in research participants for the purpose of population health screening. Participant phenotype was not available at the time of variant classification. Additional details can be found in publication PMID: 35346344, PMCID: PMC8962531

Ambry Genetics
Classification: Likely benign for Familial thoracic aortic aneurysm and aortic dissection. Last evaluated: 2020-12-07. Review status: criteria provided, single submitter. Criteria: Ambry Variant Classification Scheme 2023. Collection method: clinical testing. Allele origin: germline.

Labcorp Genetics (formerly Invitae), Labcorp
Classification: Likely benign for Aortic aneurysm, familial thoracic 4. Last evaluated: 2020-09-09. Review status: criteria provided, single submitter. Criteria: Invitae Variant Classification Sherloc (09022015). Collection method: clinical testing. Allele origin: germline.

Color Diagnostics, LLC DBA Color Health
Classification: Likely benign for Familial thoracic aortic aneurysm and aortic dissection. Last evaluated: 2019-01-20. Review status: criteria provided, single submitter. Criteria: ACMG Guidelines, 2015. Collection method: clinical testing. Allele origin: germline.

NM_002474.3(MYH11):c.3879A>G (p.Thr1293=)

Genes: NDE1 (nudE neurodevelopment protein 1; plus strand), MYH11 (myosin heavy chain 11; minus strand). Cytogenetic location: 16p13.11.
Variant type: single nucleotide variant.
Coding change: c.3879A>G on transcript NM_002474.3 (MANE Select); coding-DNA position 3879, A replaced by G.
Protein change: p.Thr1293=; no amino-acid change (threonine 1293 retained).
Molecular consequence: synonymous variant. On other transcripts: 3 prime UTR variant (2).
Genome position (GRCh38, 1-based): chr16:15,724,972, T>C on the plus strand (A>G on the coding strand, the complement: MYH11 is on the minus strand). VCF-style: chr16-15724972-T-C. GRCh37 (hg19) VCF-style: chr16-15818829-T-C.
Other names: c.3900A>G, p.Thr1300= (NM_001040113.2, NM_001040114.2); c.3879A>G, p.Thr1293= (NM_022844.3); c.*721T>C (NM_001143979.2, NM_017668.3).
Identifiers: ClinVar variation 923235 (VCV000923235.13), dbSNP rs761364286, ClinGen allele CA7921845.